The following is an entry in ClinVar:

NM_002471.4(MYH6):c.2951T>A (p.Met984Lys)

Gene: MYH6 (myosin heavy chain 6; minus strand). Cytogenetic location: 14q11.2.
Variant type: single nucleotide variant.
Coding change: c.2951T>A on transcript NM_002471.4 (MANE Select); coding-DNA position 2951, T replaced by A.
Protein change: p.Met984Lys; replaces methionine 984 with lysine.
Molecular consequence: missense variant.
Genome position (GRCh38, 1-based): chr14:23,393,496, A>T on the plus strand (T>A on the coding strand, the complement: MYH6 is on the minus strand). VCF-style: chr14-23393496-A-T. GRCh37 (hg19) VCF-style: chr14-23862705-A-T.
Other names: short protein forms M984K.
Identifiers: ClinVar variation 3915589 (VCV003915589.1).

ClinVar aggregate classification (germline): Uncertain significance (1 of 4 stars; one submission).

Conditions:
Cardiovascular phenotype. Identifiers: MedGen CN230736.

gnomAD v4.1: 1 of 1,614,076 alleles (0.000062%); highest among the groups gnomAD compares: Middle Eastern, 0.017%; no homozygotes.

Submission:

Ambry Genetics
Classification: Uncertain significance for Cardiovascular phenotype. Last evaluated: 2025-04-13. Review status: criteria provided, single submitter. Criteria: Ambry Variant Classification Scheme 2023. Collection method: clinical testing. Allele origin: germline.
Comment: The p.M984K variant (also known as c.2951T>A), located in coding exon 21 of the MYH6 gene, results from a T to A substitution at nucleotide position 2951. The methionine at codon 984 is replaced by lysine, an amino acid with similar properties. This amino acid position is conserved. In addition, this alteration is predicted to be deleterious by in silico analysis. Based on the available evidence, the clinical significance of this variant remains unclear.